The following is an entry in ClinVar:

ClinVar aggregate classification (germline): Pathogenic. Review status: criteria provided, multiple submitters, no conflicts (2 of 4 stars). 2 submissions from 2 submitters: Pathogenic (2). Last evaluated 2023-08-02.

Conditions:
Neurofibromatosis, type 1 (NF1). Also called: Peripheral type neurofibromatosis; Neurofibromatosis, type I; NEUROFIBROMATOSIS, TYPE I, SOMATIC; VON RECKLINGHAUSEN DISEASE. Identifiers: Orphanet 636, MedGen C0027831, MONDO:0018975, OMIM 162200. Disease mechanism: loss of function.

Submissions (2):

GeneDx
Classification: Pathogenic. Last evaluated: 2023-08-02. Review status: criteria provided, single submitter. Criteria: GeneDx Variant Classification Process June 2021. Collection method: clinical testing. Allele origin: germline. Affected: yes.
Comment: Nonsense variant predicted to result in protein truncation or nonsense mediated decay in a gene for which loss of function is a known mechanism of disease; Not observed at significant frequency in large population cohorts (gnomAD); This variant is associated with the following publications: (PMID: 25074460, 10712197, 23913538, 28955729)

Labcorp Genetics (formerly Invitae), Labcorp
Classification: Pathogenic for Neurofibromatosis, type 1. Last evaluated: 2021-08-14. Review status: criteria provided, single submitter. Criteria: Invitae Variant Classification Sherloc (09022015). Collection method: clinical testing. Allele origin: germline.
Comment: This sequence change creates a premature translational stop signal (p.Leu1326*) in the NF1 gene. It is expected to result in an absent or disrupted protein product. Loss-of-function variants in NF1 are known to be pathogenic (PMID: 10712197, 23913538). This variant is not present in population databases (ExAC no frequency). This premature translational stop signal has been observed in individual(s) with neurofibromatosis type 1 (PMID: 25074460, 28955729). For these reasons, this variant has been classified as Pathogenic.

Literature cited by the submitters: PubMed 10712197 (cited by Labcorp Genetics (formerly Invitae), Labcorp); PubMed 23913538 (cited by Labcorp Genetics (formerly Invitae), Labcorp); PubMed 25074460 (cited by Labcorp Genetics (formerly Invitae), Labcorp); PubMed 28955729 (cited by Labcorp Genetics (formerly Invitae), Labcorp).

NM_001042492.3(NF1):c.3977T>A (p.Leu1326Ter)

Gene: NF1 (neurofibromin 1; plus strand). Cytogenetic location: 17q11.2.
Variant type: single nucleotide variant.
Coding change: c.3977T>A on transcript NM_001042492.3 (MANE Select); coding-DNA position 3977, T replaced by A.
Protein change: p.Leu1326Ter; replaces leucine 1326 with a stop codon.
Molecular consequence: nonsense.
Genome position (GRCh38, 1-based): chr17:31,248,986, T>A. VCF-style: chr17-31248986-T-A. GRCh37 (hg19) VCF-style: chr17-29576004-T-A.
Other names: c.3977T>A, p.Leu1326Ter (NM_000267.4); short protein forms L1326*.
Identifiers: ClinVar variation 1371030 (VCV001371030.7), dbSNP rs2067447633, ClinGen allele CA398994808.